The following is an entry in ClinVar:

NM_001009944.3(PKD1):c.2269C>T (p.Gln757Ter)

Gene: PKD1 (polycystin 1, transient receptor potential channel interacting; minus strand). Cytogenetic location: 16p13.3.
Variant type: single nucleotide variant.
Coding change: c.2269C>T on transcript NM_001009944.3 (MANE Select); coding-DNA position 2269, C replaced by T.
Protein change: p.Gln757Ter; replaces glutamine 757 with a stop codon.
Molecular consequence: nonsense.
Genome position (GRCh38, 1-based): chr16:2,114,754, G>A on the plus strand (C>T on the coding strand, the complement: PKD1 is on the minus strand). VCF-style: chr16-2114754-G-A. GRCh37 (hg19) VCF-style: chr16-2164755-G-A.
Other names: c.2269C>T, p.Gln757Ter (NM_000296.4); c.2269C>T (NM_001009944.2); short protein forms Q757*.
Identifiers: ClinVar variation 586258 (VCV000586258.5), dbSNP rs775710328, ClinGen allele CA394388406.
Genomic context (GRCh38, chr16:2,114,754, plus strand): 5'-GTTCCGTGGCTGCAAGCAGCCGCAGGGCACAGGCAGGGCAGGCCCAAGTGCCCTCCAGCT[G>A]GGCTGGCAAGTGGGGCAGCCATGACGAGGCGTTGGCGGAGAGGTACGGGGCCCGGGGACC-3'

ClinVar aggregate classification (germline): Pathogenic/Likely pathogenic. Review status: criteria provided, multiple submitters, no conflicts (2 of 4 stars). 5 submissions from 5 submitters: Pathogenic (4); Likely pathogenic (1). Last evaluated 2024-09-22.

Conditions:
Polycystic kidney disease, adult type (PKD1). Also called: Polycystic Kidney Disease 1, Autosomal Dominant; Polycystic kidney disease 1; Polycystic kidney disease 1, severe; POLYCYSTIC KIDNEY DISEASE 1 WITH OR WITHOUT POLYCYSTIC LIVER DISEASE; Polycystic Kidney, Autosomal Dominant; POLYCYSTIC KIDNEY DISEASE, ADULT, TYPE I. Identifiers: MedGen C3149841, MONDO:0008263, OMIM 173900.

Submissions (5):

Genomic Medicine Center of Excellence, King Faisal Specialist Hospital and Research Centre
Classification: Pathogenic for Polycystic kidney disease, adult type. Last evaluated: 2024-09-22. Review status: criteria provided, single submitter. Criteria: ACMG Guidelines, 2015. Collection method: clinical testing. Allele origin: germline.

GeneDx
Classification: Pathogenic. Last evaluated: 2024-09-13. Review status: criteria provided, single submitter. Criteria: GeneDx Variant Classification Process June 2021. Collection method: clinical testing. Allele origin: germline. Affected: yes.
Comment: Nonsense variant predicted to result in protein truncation or nonsense mediated decay in a gene for which loss of function is a known mechanism of disease; Not observed at significant frequency in large population cohorts (gnomAD); This variant is associated with the following publications: (PMID: 36938073)

Fulgent Genetics
Classification: Pathogenic for Polycystic kidney disease, adult type. Last evaluated: 2024-03-21. Review status: criteria provided, single submitter. Criteria: ACMG Guidelines, 2015. Collection method: clinical testing. Allele origin: germline.

Athena Diagnostics
Classification: Likely pathogenic. Last evaluated: 2018-01-09. Review status: criteria provided, single submitter. Criteria: Athena Diagnostics Criteria. Collection method: clinical testing. Allele origin: germline.

Juno Genomics, Hangzhou Juno Genomics, Inc
Classification: Pathogenic for Polycystic kidney disease, adult type. Review status: criteria provided, single submitter. Criteria: ACMG Guidelines, 2015. Collection method: clinical testing. Allele origin: germline. Affected: yes.
Comment: Absent from controls (or at extremely low frequency if recessive) in Genome Aggregation Database, Exome Sequencing Project, 1000 Genomes Project, or Exome Aggregation Consortium.;Null variant in a gene where loss of function (LOF) is a known mechanism of disease.;The prevalence of the variant in affected individuals is significantly increased compared to the prevalence in controls.;Patient's phenotype or family history is highly specific for a disease with a single genetic etiology.